The following is an entry in ClinVar:

ClinVar aggregate classification (germline): Pathogenic (1 of 4 stars; one submission).

Conditions:
Purine-nucleoside phosphorylase deficiency. Also called: NUCLEOSIDE PHOSPHORYLASE DEFICIENCY; Immunodeficiency due to purine nucleoside phosphorylase deficiency. Identifiers: Orphanet 760, MedGen C0268125, MONDO:0013171, OMIM 613179.

Submission:

Labcorp Genetics (formerly Invitae), Labcorp
Classification: Pathogenic for Purine-nucleoside phosphorylase deficiency. Last evaluated: 2025-05-29. Review status: criteria provided, single submitter. Criteria: Invitae Variant Classification Sherloc (09022015). Collection method: clinical testing. Allele origin: germline.
Comment: This sequence change creates a premature translational stop signal (p.Ser251Alafs*11) in the PNP gene. While this is not anticipated to result in nonsense mediated decay, it is expected to disrupt the last 39 amino acid(s) of the PNP protein. This variant is not present in population databases (gnomAD no frequency). This variant has not been reported in the literature in individuals affected with PNP-related conditions. ClinVar contains an entry for this variant (Variation ID: 845655). Experimental studies and prediction algorithms are not available or were not evaluated, and the functional significance of this variant is currently unknown. This variant disrupts a region of the PNP protein in which other variant(s) (p.His257Asp) have been determined to be pathogenic (PMID: 15571269, 17407325, 32695102). This suggests that this is a clinically significant region of the protein, and that variants that disrupt it are likely to be disease-causing. For these reasons, this variant has been classified as Pathogenic.

Literature cited by the submitters: PubMed 15571269; PubMed 17407325; PubMed 32695102.

NM_000270.4(PNP):c.751del (p.Ser251fs)

Gene: PNP (purine nucleoside phosphorylase; plus strand). Cytogenetic location: 14q11.2.
Variant type: Deletion.
Coding change: c.751del on transcript NM_000270.4 (MANE Select); coding-DNA position 751, one base deleted (A; older notation c.751delA).
Protein change: p.Ser251fs; shifts the reading frame from serine 251.
Molecular consequence: frameshift variant.
Genome position (GRCh38, 1-based): chr14:20,476,482, A deleted; the last of 3 consecutive A bases (chr14:20,476,480-20,476,482); deleting any one gives the same sequence. VCF-style (leftmost placement, unchanged base first): chr14-20476479-GA-G. GRCh37 (hg19) VCF-style: chr14-20944638-GA-G.
Other names: short protein forms S251fs.
Identifiers: ClinVar variation 845655 (VCV000845655.9), dbSNP rs1882116704, ClinGen allele CA916082385.